The following is an entry in ClinVar:

NM_152416.4(NDUFAF6):c.594del (p.His199fs)

Gene: NDUFAF6 (NADH:ubiquinone oxidoreductase complex assembly factor 6; plus strand). Cytogenetic location: 8q22.1.
Variant type: Deletion.
Coding change: c.594del on transcript NM_152416.4 (MANE Select); coding-DNA position 594, one base deleted (T; older notation c.594delT).
Protein change: p.His199fs; shifts the reading frame from histidine 199.
Molecular consequence: frameshift variant. On other transcripts: non-coding transcript variant (5).
Genome position (GRCh38, 1-based): chr8:95,047,007, T deleted; the last of 2 consecutive T bases (chr8:95,047,006-95,047,007); deleting either gives the same sequence. VCF-style (leftmost placement, unchanged base first): chr8-95047005-CT-C. GRCh37 (hg19) VCF-style: chr8-96059233-CT-C.
Other names: c.138del, p.His47fs (NM_001354531.2, NM_001354532.2, NM_001354533.2 and 7 more transcripts); c.261del, p.His88fs (NM_001354534.2, NM_001354517.2, NM_001354518.2 and 1 more transcripts); c.318del, p.His107fs (NM_001330582.2, NM_001354514.2, NM_001354515.2 and 1 more transcripts); c.438del, p.His147fs (NM_001354516.2); short protein forms H147fs, H107fs, H199fs, H47fs, H88fs.
Identifiers: ClinVar variation 5007355 (VCV005007355.2).
Genomic context (GRCh38, chr8:95,047,005, plus strand): 5'-TATTATGCACTTAGAATAGAGCAGCCCTGTGTAATTTCTGAAATCATAGGTATAAAGGAT[CT>C]TCATGCAGATCATGCTGCAAGTCATATTGGAAAAGCACAAGGCATTGTCACTTGCTTGAG-3'

ClinVar aggregate classification (germline): Likely pathogenic (1 of 4 stars; one submission).

Conditions:
Fanconi renotubular syndrome 5. Also called: FANCONI RENOTUBULAR SYNDROME, ACADIAN VARIANT. Identifiers: MedGen C5394473, MONDO:0030056, OMIM 618913.
Mitochondrial complex I deficiency, nuclear type 17. Also called: Mitochondrial complex 1 deficiency, nuclear type 17. Identifiers: MedGen C4748786, MONDO:0032622, OMIM 618239.

Submission:

Juno Genomics, Hangzhou Juno Genomics, Inc
Classification: Likely pathogenic for Fanconi renotubular syndrome 5; Mitochondrial complex I deficiency, nuclear type 17. Review status: criteria provided, single submitter. Criteria: ACMG Guidelines, 2015. Collection method: clinical testing. Allele origin: germline.
Comment: Null variant in a gene where loss of function (LOF) is a known mechanism of disease.;Absent from controls (or at extremely low frequency if recessive) in Genome Aggregation Database.